The following is an entry in ClinVar:

ClinVar aggregate classification (germline): Pathogenic. Review status: criteria provided, multiple submitters, no conflicts (2 of 4 stars). 2 submissions from 2 submitters: Pathogenic (2). Last evaluated 2023-09-14.

Conditions:
Breast neoplasm. Also called: Breast Neoplasms; Neoplasm of breast; Breast tumor; Neoplasm of the breast. Identifiers: MedGen C1458155, MeSH D001943, MONDO:0021100, HP:0100013. Disease mechanism: gain of function.
Familial cancer of breast. Also called: hereditary breast carcinoma; Hereditary breast cancer; BREAST CANCER, FAMILIAL. Identifiers: Orphanet 227535, MedGen C0346153, MONDO:0016419, OMIM 114480. Disease mechanism: loss of function.

Submissions (2):

Myriad Genetics, Inc.
Classification: Pathogenic for Familial cancer of breast. Last evaluated: 2023-09-14. Review status: criteria provided, single submitter. Criteria: Myriad Autosomal Dominant, Autosomal Recessive and X-Linked Classification Criteria (2023). Collection method: clinical testing. Allele origin: unknown.
Comment: This variant is considered pathogenic. This variant creates a frameshift predicted to result in premature protein truncation.

Yang An-Suei Laboratory, Academia Sinica
Classification: Pathogenic for breast cancer. Review status: criteria provided, single submitter. Criteria: Submitter's publication. Collection method: clinical testing. Allele origin: germline. Affected: yes.

NM_024675.4(PALB2):c.3143del (p.Lys1048fs)

Gene: PALB2 (partner and localizer of BRCA2; minus strand). Cytogenetic location: 16p12.2.
Variant type: Deletion.
Coding change: c.3143del on transcript NM_024675.4 (MANE Select); coding-DNA position 3143, one base deleted (A; older notation c.3143delA).
Protein change: p.Lys1048fs; shifts the reading frame from lysine 1048.
Molecular consequence: frameshift variant.
Genome position (GRCh38, 1-based): chr16:23,614,062, T deleted on the plus strand (A on the coding strand, the reverse complement: PALB2 is on the minus strand); the first of 5 consecutive T bases (chr16:23,614,062-23,614,066); deleting any one gives the same sequence. VCF-style (leftmost placement, unchanged base first): chr16-23614061-CT-C. GRCh37 (hg19) VCF-style: chr16-23625382-CT-C.
Other names: c.3143delA (NM_024675.3); short protein forms K1048fs.
Identifiers: ClinVar variation 430596 (VCV000430596.2), dbSNP rs1555458822, ClinGen allele CA645509220.
Genomic context (GRCh38, chr16:23,614,061, plus strand): 5'-TACCATTTCAGAATAGGCTTTGTGACAGACTGAAGCTTGGTAAGAATCATCAATGTGCAT[CT>C]TTTTCAGGAGTTGACCAGTTTTTAAATTCCTTAGATAACAAAAATAAATAAGCTGATCAC-3'